The following is an entry in ClinVar:

ClinVar aggregate classification (germline): Conflicting classifications of pathogenicity. Review status: criteria provided, conflicting classifications (1 of 4 stars). 2 submissions from 2 submitters: Uncertain significance (1); Likely benign (1). Last evaluated 2025-04-28.

Allele frequency attached by ClinVar (database versions not stated): gnomAD 0.00015 and 0.00016; 1000 Genomes Project 30x 0.00016; TOPMed 0.00018; 1000 Genomes Project 0.00020; ESP Exome Variant Server 0.00038.
gnomAD v4.1: 44 of 1,613,834 alleles (0.0027%); highest among the groups gnomAD compares: African/African-American, 0.057%; no homozygotes.

Submissions (2):

Labcorp Genetics (formerly Invitae), Labcorp
Classification: Uncertain significance. Last evaluated: 2025-04-28. Review status: criteria provided, single submitter. Criteria: Invitae Variant Classification Sherloc (09022015). Collection method: clinical testing. Allele origin: germline.
Comment: This sequence change replaces glutamic acid, which is acidic and polar, with aspartic acid, which is acidic and polar, at codon 1491 of the RP1 protein (p.Glu1491Asp). This variant is present in population databases (rs149597597, gnomAD 0.07%). This missense change has been observed in individual(s) with autosomal recessive retinitis pigmentosa (PMID: 36819107). ClinVar contains an entry for this variant (Variation ID: 862737). An algorithm developed to predict the effect of missense changes on protein structure and function (PolyPhen-2) suggests that this variant is likely to be tolerated. In summary, the available evidence is currently insufficient to determine the role of this variant in disease. Therefore, it has been classified as a Variant of Uncertain Significance.

Blueprint Genetics
Classification: Likely benign. Last evaluated: 2024-08-28. Review status: criteria provided, single submitter. Criteria: ACMG Guidelines, 2015. Collection method: clinical testing. Allele origin: germline.

Literature cited by the submitters: PubMed 36819107 (cited by Labcorp Genetics (formerly Invitae), Labcorp).

NM_006269.2(RP1):c.4473A>C (p.Glu1491Asp)

Gene: RP1 (RP1 axonemal microtubule associated; plus strand). Cytogenetic location: 8q12.1.
Variant type: single nucleotide variant.
Coding change: c.4473A>C on transcript NM_006269.2 (MANE Select); coding-DNA position 4473, A replaced by C.
Protein change: p.Glu1491Asp; replaces glutamic acid 1491 with aspartic acid.
Molecular consequence: missense variant. On other transcripts: intron variant (1).
Genome position (GRCh38, 1-based): chr8:54,628,355, A>C. VCF-style: chr8-54628355-A-C. GRCh37 (hg19) VCF-style: chr8-55540915-A-C.
Other names: c.787+6067A>C (NM_001375654.1); short protein forms E1491D.
Identifiers: ClinVar variation 862737 (VCV000862737.9), dbSNP rs149597597, ClinGen allele CA4751875.